The following is an entry in ClinVar:

ClinVar aggregate classification (germline): Uncertain significance (1 of 4 stars; one submission).

Allele frequency attached by ClinVar (database versions not stated): gnomAD exomes below 0.00001; TOPMed below 0.00001.
gnomAD v4.1: 1 of 1,614,102 alleles (0.000062%); highest among the groups gnomAD compares: East Asian, 0.0022%; no homozygotes.

Submission:

Labcorp Genetics (formerly Invitae), Labcorp
Classification: Uncertain significance. Last evaluated: 2023-07-17. Review status: criteria provided, single submitter. Criteria: Invitae Variant Classification Sherloc (09022015). Collection method: clinical testing. Allele origin: germline.
Comment: In summary, the available evidence is currently insufficient to determine the role of this variant in disease. Therefore, it has been classified as a Variant of Uncertain Significance. Algorithms developed to predict the effect of missense changes on protein structure and function output the following: SIFT: "Not Available"; PolyPhen-2: "Benign"; Align-GVGD: "Not Available". The serine amino acid residue is found in multiple mammalian species, which suggests that this missense change does not adversely affect protein function. ClinVar contains an entry for this variant (Variation ID: 1468806). This variant has not been reported in the literature in individuals affected with PCDH15-related conditions. This variant is not present in population databases (gnomAD no frequency). This sequence change replaces threonine, which is neutral and polar, with serine, which is neutral and polar, at codon 1612 of the PCDH15 protein (p.Thr1612Ser).

NM_033056.4(PCDH15):c.4835C>G (p.Thr1612Ser)

Gene: PCDH15 (protocadherin related 15; minus strand). Cytogenetic location: 10q21.1.
Variant type: single nucleotide variant.
Coding change: c.4835C>G on transcript NM_033056.4 (MANE Plus Clinical); coding-DNA position 4835, C replaced by G.
Protein change: p.Thr1612Ser; replaces threonine 1612 with serine.
Molecular consequence: missense variant. On other transcripts: intron variant (8).
Genome position (GRCh38, 1-based): chr10:53,822,891, G>C on the plus strand (C>G on the coding strand, the complement: PCDH15 is on the minus strand). VCF-style: chr10-53822891-G-C. GRCh37 (hg19) VCF-style: chr10-55582651-G-C.
Other names: c.4388+4502C>G (NM_001354411.2); c.4409+2245C>G (NM_001142769.3); c.4856C>G, p.Thr1619Ser (NM_001142763.2); c.4841C>G, p.Thr1614Ser (NM_001142764.2); c.4628C>G, p.Thr1543Ser (NM_001142765.2); c.4826C>G, p.Thr1609Ser (NM_001142766.2); c.4715C>G, p.Thr1572Ser (NM_001142767.2); c.4775C>G, p.Thr1592Ser (NM_001142768.2); and 6 more; short protein forms T1589S, T1614S, T1543S, T1592S, T1609S, T1572S, T1590S, T1612S.
Identifiers: ClinVar variation 1468806 (VCV001468806.9), dbSNP rs1395111195, ClinGen allele CA376526464.